The following is an entry in ClinVar:

ClinVar aggregate classification (germline): Benign/Likely benign. Review status: criteria provided, multiple submitters, no conflicts (2 of 4 stars). 5 submissions from 5 submitters: Benign (1); Likely benign (3). 1 of the submissions does not count toward it. Last evaluated 2025-11-19.

Conditions:
KL-related disorder. Also called: KL-related condition.
Tumoral calcinosis, hyperphosphatemic, familial, 3. Identifiers: MedGen C4693864, MONDO:0060715, OMIM 617994.

Allele frequency attached by ClinVar (database versions not stated): gnomAD exomes 0.00020; ExAC 0.00030; 1000 Genomes Project 30x 0.00062; 1000 Genomes Project 0.00080; gnomAD 0.00102 and 0.00111; TOPMed 0.00124; ESP Exome Variant Server 0.00131.
gnomAD v4.1: 277 of 1,614,222 alleles (0.017%); highest among the groups gnomAD compares: African/African-American, 0.33%; 1 homozygote.

Submissions (5):

Labcorp Genetics (formerly Invitae), Labcorp
Classification: Benign. Last evaluated: 2025-11-19. Review status: criteria provided, single submitter. Criteria: Invitae Variant Classification Sherloc (09022015). Collection method: clinical testing. Allele origin: germline.

Blueprint Genetics
Classification: Likely benign. Last evaluated: 2024-10-18. Review status: criteria provided, single submitter. Criteria: ACMG Guidelines, 2015. Collection method: clinical testing. Allele origin: germline.

Fulgent Genetics
Classification: Likely benign for Tumoral calcinosis, hyperphosphatemic, familial, 3. Last evaluated: 2021-09-23. Review status: criteria provided, single submitter. Criteria: ACMG Guidelines, 2015. Collection method: clinical testing. Allele origin: unknown.

Illumina Laboratory Services, Illumina
Classification: Likely benign for Tumoral calcinosis, hyperphosphatemic, familial, 3. Last evaluated: 2018-01-13. Review status: criteria provided, single submitter. Criteria: ICSL Variant Classification Criteria 13 December 2019. Collection method: clinical testing. Allele origin: germline.
Comment: This variant was observed in the ICSL laboratory as part of a predisposition screen in an ostensibly healthy population. It had not been previously curated by ICSL or reported in the Human Gene Mutation Database (HGMD: prior to June 1st, 2018), and was therefore a candidate for classification through an automated scoring system. Utilizing variant allele frequency, disease prevalence and penetrance estimates, and inheritance mode, an automated score was calculated to assess if this variant is too frequent to cause the disease. Based on the score and internal cut-off values, a variant classified as likely benign is not then subjected to further curation. The score for this variant resulted in a classification of likely benign for this disease.

PreventionGenetics, part of Exact Sciences
Classification: Likely benign for KL-related condition. Last evaluated: 2019-08-15. Review status: no assertion criteria provided. Collection method: clinical testing. Allele origin: germline. Not counted in ClinVar's aggregate classification.
Comment: This variant is classified as likely benign based on ACMG/AMP sequence variant interpretation guidelines (Richards et al. 2015 PMID: 25741868, with internal and published modifications).

NM_004795.4(KL):c.2532G>A (p.Gln844=)

Gene: KL (klotho; plus strand). Cytogenetic location: 13q13.1.
Variant type: single nucleotide variant.
Coding change: c.2532G>A on transcript NM_004795.4 (MANE Select); coding-DNA position 2532, G replaced by A.
Protein change: p.Gln844=; no amino-acid change (glutamine 844 retained).
Molecular consequence: synonymous variant.
Genome position (GRCh38, 1-based): chr13:33,061,611, G>A. VCF-style: chr13-33061611-G-A. GRCh37 (hg19) VCF-style: chr13-33635748-G-A.
Identifiers: ClinVar variation 881484 (VCV000881484.15), dbSNP rs149775738, ClinGen allele CA6944325.